The following is an entry in ClinVar:

ClinVar aggregate classification (germline): Uncertain significance. Review status: criteria provided, multiple submitters, no conflicts (2 of 4 stars). 2 submissions from 2 submitters: Uncertain significance (2). Last evaluated 2025-02-10.

Conditions:
Inborn genetic diseases. Identifiers: MedGen C0950123, MeSH D030342.

Submissions (2):

Labcorp Genetics (formerly Invitae), Labcorp
Classification: Uncertain significance. Last evaluated: 2025-02-10. Review status: criteria provided, single submitter. Criteria: Invitae Variant Classification Sherloc (09022015). Collection method: clinical testing. Allele origin: germline.
Comment: This sequence change replaces methionine, which is neutral and non-polar, with valine, which is neutral and non-polar, at codon 1453 of the SAMD9 protein (p.Met1453Val). This variant is present in population databases (rs768858360, gnomAD 0.0009%). This variant has not been reported in the literature in individuals affected with SAMD9-related conditions. ClinVar contains an entry for this variant (Variation ID: 3437040). Invitae Evidence Modeling of protein sequence and biophysical properties (such as structural, functional, and spatial information, amino acid conservation, physicochemical variation, residue mobility, and thermodynamic stability) indicates that this missense variant is not expected to disrupt SAMD9 protein function with a negative predictive value of 95%. In summary, the available evidence is currently insufficient to determine the role of this variant in disease. Therefore, it has been classified as a Variant of Uncertain Significance.

Ambry Genetics
Classification: Uncertain significance for Inborn genetic diseases. Last evaluated: 2024-11-25. Review status: criteria provided, single submitter. Criteria: Ambry Variant Classification Scheme 2023. Collection method: clinical testing. Allele origin: germline.
Comment: The p.M1453V variant (also known as c.4357A>G), located in coding exon 1 of the SAMD9 gene, results from an A to G substitution at nucleotide position 4357. The methionine at codon 1453 is replaced by valine, an amino acid with highly similar properties. This amino acid position is conserved. In addition, this alteration is predicted to be tolerated by in silico analysis. Based on the available evidence, the clinical significance of this variant remains unclear.

NM_017654.4(SAMD9):c.4357A>G (p.Met1453Val)

Gene: SAMD9 (sterile alpha motif domain containing 9; minus strand). Cytogenetic location: 7q21.2.
Variant type: single nucleotide variant.
Coding change: c.4357A>G on transcript NM_017654.4 (MANE Select); coding-DNA position 4357, A replaced by G.
Protein change: p.Met1453Val; replaces methionine 1453 with valine.
Molecular consequence: missense variant.
Genome position (GRCh38, 1-based): chr7:93,101,741, T>C on the plus strand (A>G on the coding strand, the complement: SAMD9 is on the minus strand). VCF-style: chr7-93101741-T-C. GRCh37 (hg19) VCF-style: chr7-92731054-T-C.
Other names: c.4357A>G, p.Met1453Val (NM_001193307.2); short protein forms M1453V.
Identifiers: ClinVar variation 3437040 (VCV003437040.2).